The following is an entry in ClinVar:

ClinVar aggregate classification (germline): Uncertain significance. Review status: criteria provided, multiple submitters, no conflicts (2 of 4 stars). 2 submissions from 2 submitters: Uncertain significance (2). Last evaluated 2026-06-25.

Conditions:
CSMD1-related disorder. Also called: CSMD1-related condition.

Submissions (2):

PreventionGenetics, part of Exact Sciences
Classification: Uncertain significance for CSMD1-related condition. Last evaluated: 2026-06-25. Review status: criteria provided, single submitter. Criteria: ACMG Guidelines, 2015. Collection method: clinical testing. Allele origin: germline.
Comment: The CSMD1 c.4451A>G variant is predicted to result in the amino acid substitution p.Asn1484Ser. To our knowledge, this variant has not been reported in the literature or in a large population database (gnomAD), indicating this variant is rare. At this time, the clinical significance of this variant is uncertain due to the absence of conclusive functional and genetic evidence.

Ambry Genetics
Classification: Uncertain significance. Last evaluated: 2024-01-02. Review status: criteria provided, single submitter. Criteria: Ambry Variant Classification Scheme 2023. Collection method: clinical testing. Allele origin: germline.

NM_033225.6(CSMD1):c.4451A>G (p.Asn1484Ser)

Gene: CSMD1 (CUB and Sushi multiple domains 1; minus strand). Cytogenetic location: 8p23.2.
Variant type: single nucleotide variant.
Coding change: c.4451A>G on transcript NM_033225.6 (MANE Select); coding-DNA position 4451, A replaced by G.
Protein change: p.Asn1484Ser; replaces asparagine 1484 with serine.
Molecular consequence: missense variant.
Genome position (GRCh38, 1-based): chr8:3,223,762, T>C on the plus strand (A>G on the coding strand, the complement: CSMD1 is on the minus strand). VCF-style: chr8-3223762-T-C. GRCh37 (hg19) VCF-style: chr8-3081284-T-C.
Other names: short protein forms N1484S.
Identifiers: ClinVar variation 3078107 (VCV003078107.2), dbSNP rs2488708513, ClinGen allele CA369977554.